The following is an entry in ClinVar:

NM_001257096.2(PAX1):c.1187C>A (p.Ala396Glu)

Gene: PAX1 (paired box 1; plus strand). Cytogenetic location: 20p11.22.
Variant type: single nucleotide variant.
Coding change: c.1187C>A on transcript NM_001257096.2 (MANE Select); coding-DNA position 1187, C replaced by A.
Protein change: p.Ala396Glu; replaces alanine 396 with glutamic acid.
Molecular consequence: missense variant.
Genome position (GRCh38, 1-based): chr20:21,709,349, C>A. VCF-style: chr20-21709349-C-A. GRCh37 (hg19) VCF-style: chr20-21689987-C-A.
Other names: c.1187C>A, p.Ala396Glu (NM_006192.5); short protein forms A396E.
Identifiers: ClinVar variation 3363586 (VCV003363586.1).

ClinVar aggregate classification (germline): Uncertain significance (1 of 4 stars; one submission).

Submission:

GeneDx
Classification: Uncertain significance. Last evaluated: 2023-10-26. Review status: criteria provided, single submitter. Criteria: GeneDx Variant Classification Process June 2021. Collection method: clinical testing. Allele origin: germline. Affected: yes.
Comment: Not observed at significant frequency in large population cohorts (gnomAD); In silico analysis supports that this missense variant does not alter protein structure/function; Has not been previously published as pathogenic or benign to our knowledge